The following is an entry in ClinVar:

NM_017514.5(PLXNA3):c.3359C>T (p.Thr1120Ile)

Gene: PLXNA3 (plexin A3; plus strand). Cytogenetic location: Xq28.
Variant type: single nucleotide variant.
Coding change: c.3359C>T on transcript NM_017514.5 (MANE Select); coding-DNA position 3359, C replaced by T.
Protein change: p.Thr1120Ile; replaces threonine 1120 with isoleucine.
Molecular consequence: missense variant.
Genome position (GRCh38, 1-based): chrX:154,467,389, C>T. VCF-style: chrX-154467389-C-T. GRCh37 (hg19) VCF-style: chrX-153695732-C-T.
Other names: short protein forms T1120I.
Identifiers: ClinVar variation 4992255 (VCV004992255.1).

ClinVar aggregate classification (germline): Uncertain significance (1 of 4 stars; one submission).

Conditions:
PLXNA3-related disorder. Also called: PLXNA3-related condition.

Submission:

PreventionGenetics, part of Exact Sciences
Classification: Uncertain significance for PLXNA3-related condition. Last evaluated: 2026-03-09. Review status: criteria provided, single submitter. Criteria: ACMG Guidelines, 2015. Collection method: clinical testing. Allele origin: germline.
Comment: The PLXNA3 c.3359C>T variant is predicted to result in the amino acid substitution p.Thr1120Ile. To our knowledge, this variant has not been reported in the literature or in a large population database (gnomAD), indicating this variant is rare. At this time, the clinical significance of this variant is uncertain due to the absence of conclusive functional and genetic evidence.